The following is an entry in ClinVar:

ClinVar aggregate classification (germline): Likely pathogenic (1 of 4 stars; one submission).

Conditions:
Hereditary pancreatitis (PCTT). Also called: PRSS1-Related Hereditary Pancreatitis; Hereditary chronic pancreatitis. Identifiers: Orphanet 676, MedGen C0238339, MONDO:0008185, OMIM 167800.

Submission:

ARUP Laboratories, Molecular Genetics and Genomics, ARUP Laboratories
Classification: Likely pathogenic for Hereditary pancreatitis. Last evaluated: 2024-07-09. Review status: criteria provided, single submitter. Criteria: ARUP Molecular Germline Variant Investigation Process 2024. Collection method: clinical testing. Allele origin: germline.
Comment: The CTRC c.429_430delinsTGGC; p.Glu144GlyfsTer54 variant, to our knowledge, is not reported in the medical literature or gene specific databases. This variant is also absent from the Genome Aggregation Database (v2.1.1), indicating it is not a common polymorphism. This variant causes a frameshift by deleting two nucleotides and inserting four nucleotides, so it is predicted to result in a truncated protein or mRNA subject to nonsense-mediated decay. Based on available information, this variant is considered to be likely pathogenic.

NM_007272.3(CTRC):c.429_430delinsTGGC (p.Glu144fs)

Gene: CTRC (chymotrypsin C; plus strand). Cytogenetic location: 1p36.21.
Variant type: Indel.
Coding change: c.429_430delinsTGGC on transcript NM_007272.3 (MANE Select); coding-DNA positions 429 to 430, AG replaced by TGGC.
Protein change: p.Glu144fs; shifts the reading frame from glutamic acid 144.
Molecular consequence: frameshift variant.
Genome position (GRCh38, 1-based): chr1:15,443,491-15,443,492, AG replaced by TGGC. VCF-style: chr1-15443491-AG-TGGC. GRCh37 (hg19) VCF-style: chr1-15769986-AG-TGGC.
Other names: short protein forms E144fs.
Identifiers: ClinVar variation 3766703 (VCV003766703.1), dbSNP rs1570784592.